The following is an entry in ClinVar:

ClinVar aggregate classification (germline): Pathogenic/Likely pathogenic. Review status: criteria provided, multiple submitters, no conflicts (2 of 4 stars). 8 submissions from 8 submitters: Pathogenic (5); Likely pathogenic (1). 2 of the submissions do not count toward it. Last evaluated 2026-04-23.

Conditions:
Familial hypokalemia-hypomagnesemia (GTLMNS). Also called: HYPOMAGNESEMIA-HYPOKALEMIA, PRIMARY RENOTUBULAR, WITH HYPOCALCIURIA; gitelman syndrome; POTASSIUM AND MAGNESIUM DEPLETION. Identifiers: Orphanet 358, MedGen C0268450, MONDO:0009904, OMIM 263800.

Allele frequency attached by ClinVar (database versions not stated): TOPMed 0.00001; gnomAD exomes 0.00002; gnomAD 0.00003.
gnomAD v4.1: 32 of 1,613,554 alleles (0.002%); highest among the groups gnomAD compares: Non-Finnish European, 0.0026%; no homozygotes.

Submissions (8):

Victorian Clinical Genetics Services, Murdoch Childrens Research Institute
Classification: Pathogenic for Familial hypokalemia-hypomagnesemia. Last evaluated: 2026-04-23. Review status: criteria provided, single submitter. Criteria: ACMG Guidelines, 2015. Collection method: clinical testing. Allele origin: germline. Affected: yes.
Comment: This variant is classified as Pathogenic. Evidence in support of pathogenic classification: Variant is present in gnomAD <0.01 for a recessive condition (v4: 32 heterozygote(s), 0 homozygote(s)); This variant has strong previous evidence of pathogenicity in unrelated individuals. This variant has been reported many times as likely pathogenic or pathogenic by clinical laboratories in ClinVar. It has also been observed in a homozygous or compound heterozygous state in individuals with Gitelman syndrome (PMID: 32542819, PMID: 22009145); Missense variant predicted to be damaging by in silico tool(s) or highly conserved with a major amino acid change. Additional information: Variant is predicted to result in a missense amino acid change from Leu to Pro; This variant is heterozygous; This gene is associated with autosomal recessive disease; Variant is located in the annotated AA_permease (DECIPHER); Loss of function is a known mechanism of disease in this gene and is associated with Gitelman syndrome (MIM#263800); Inheritance information for this variant is not currently available in this individual.

Labcorp Genetics (formerly Invitae), Labcorp
Classification: Pathogenic. Last evaluated: 2026-01-26. Review status: criteria provided, single submitter. Criteria: Invitae Variant Classification Sherloc (09022015). Collection method: clinical testing. Allele origin: germline.
Comment: This sequence change replaces leucine, which is neutral and non-polar, with proline, which is neutral and non-polar, at codon 272 of the SLC12A3 protein (p.Leu272Pro). This variant is present in population databases (rs568513106, gnomAD 0.004%). This missense change has been observed in individuals with Gitelman syndrome (PMID: 18391953, 21415153, 31398183, 36806220). ClinVar contains an entry for this variant (Variation ID: 209191). Invitae Evidence Modeling of protein sequence and biophysical properties (such as structural, functional, and spatial information, amino acid conservation, physicochemical variation, residue mobility, and thermodynamic stability) indicates that this missense variant is expected to disrupt SLC12A3 protein function with a positive predictive value of 95%. For these reasons, this variant has been classified as Pathogenic.

Natera, Inc.
Classification: Pathogenic for Gitelman syndrome. Last evaluated: 2025-02-18. Review status: criteria provided, single submitter. Criteria: Natera Variant Classification Schema (03/2026). Collection method: clinical testing. Allele origin: germline.
Comment: The c.815T>C variant in SLC12A3 is a missense variant predicted to cause substitution of leucine to proline at amino acid 272. This variant is rare in the general population with a frequency below the threshold expected for the associated phenotype(s). This variant has been observed in one or more individuals affected with the associated recessive disease, as either homozygous or compound heterozygous with a second variant (PMID: 28700713). Computational prediction algorithms indicate this variant is likely to affect gene or protein function. Given the available evidence, this variant is classified as Pathogenic.

Fulgent Genetics
Classification: Pathogenic for Familial hypokalemia-hypomagnesemia. Last evaluated: 2024-06-24. Review status: criteria provided, single submitter. Criteria: ACMG Guidelines, 2015. Collection method: clinical testing. Allele origin: germline.

Women's Health and Genetics/Laboratory Corporation of America, LabCorp
Classification: Pathogenic for Familial hypokalemia-hypomagnesemia. Last evaluated: 2023-12-04. Review status: criteria provided, single submitter. Criteria: LabCorp Variant Classification Summary - May 2015. Collection method: clinical testing. Allele origin: germline.
Comment: Variant summary: SLC12A3 c.815T>C (p.Leu272Pro) results in a non-conservative amino acid change located in the Amino acid permease/ SLC12A domain (IPR004841) of the encoded protein sequence. Five of five in-silico tools predict a damaging effect of the variant on protein function. The variant allele was found at a frequency of 1.6e-05 in 251392 control chromosomes (gnomAD). c.815T>C has been reported in the literature in multiple compound heterozygous individuals affected with Gitelman syndrome (Ji_2008, Glaudemans_2011, Peng_2017, Zhang_2023). These data indicate that the variant is very likely to be associated with disease. To our knowledge, no experimental evidence demonstrating an impact on protein function has been reported. The following publications have been ascertained in the context of this evaluation (PMID: 22009145, 18391953, 28700713, 21415153, 36806220). Three submitters have cited clinical-significance assessments for this variant to ClinVar after 2014. All submitters classified the variant as likely pathogenic. Based on the evidence outlined above, the variant was classified as pathogenic.

Gharavi Laboratory, Columbia University
Classification: Likely pathogenic. Last evaluated: 2018-09-16. Review status: criteria provided, single submitter. Criteria: ACMG Guidelines, 2015. Collection method: research. Allele origin: germline. Affected: yes.

Genome Diagnostics Laboratory, University Medical Center Utrecht
Classification: Pathogenic. Review status: no assertion criteria provided. Collection method: clinical testing. Allele origin: germline. Affected: yes. Study: VKGL Data-share Consensus. Not counted in ClinVar's aggregate classification.

Joint Genome Diagnostic Labs from Nijmegen and Maastricht, Radboudumc and MUMC+
Classification: Pathogenic. Review status: no assertion criteria provided. Collection method: clinical testing. Allele origin: germline. Affected: yes. Study: VKGL Data-share Consensus. Not counted in ClinVar's aggregate classification.

Literature cited by the submitters: PubMed 32542819 (cited by Victorian Clinical Genetics Services, Murdoch Childrens Research Institute); PubMed 22009145 (cited by Victorian Clinical Genetics Services, Murdoch Childrens Research Institute and Women's Health and Genetics/Laboratory Corporation of America, LabCorp); PubMed 18391953 (cited by Labcorp Genetics (formerly Invitae), Labcorp and Women's Health and Genetics/Laboratory Corporation of America, LabCorp); PubMed 21415153 (cited by Labcorp Genetics (formerly Invitae), Labcorp and Women's Health and Genetics/Laboratory Corporation of America, LabCorp); PubMed 31398183 (cited by Labcorp Genetics (formerly Invitae), Labcorp); PubMed 36806220 (cited by Labcorp Genetics (formerly Invitae), Labcorp and Women's Health and Genetics/Laboratory Corporation of America, LabCorp); PubMed 28700713 (cited by Natera, Inc. and Women's Health and Genetics/Laboratory Corporation of America, LabCorp).

NM_001126108.2(SLC12A3):c.815T>C (p.Leu272Pro)

Gene: SLC12A3 (solute carrier family 12 member 3; plus strand). Cytogenetic location: 16q13.
Variant type: single nucleotide variant.
Coding change: c.815T>C on transcript NM_001126108.2 (MANE Select); coding-DNA position 815, T replaced by C.
Protein change: p.Leu272Pro; replaces leucine 272 with proline.
Molecular consequence: missense variant.
Genome position (GRCh38, 1-based): chr16:56,870,699, T>C. VCF-style: chr16-56870699-T-C. GRCh37 (hg19) VCF-style: chr16-56904611-T-C.
Other names: c.815T>C, p.Leu272Pro (NM_000339.3); c.812T>C, p.Leu271Pro (NM_001126107.2); short protein forms L272P, L271P.
Identifiers: ClinVar variation 209191 (VCV000209191.15), dbSNP rs568513106, ClinGen allele CA250393.